The following is an entry in ClinVar:

NM_000271.5(NPC1):c.500C>T (p.Ser167Leu)

Gene: NPC1 (NPC intracellular cholesterol transporter 1; minus strand). Cytogenetic location: 18q11.2.
Variant type: single nucleotide variant.
Coding change: c.500C>T on transcript NM_000271.5 (MANE Select); coding-DNA position 500, C replaced by T.
Protein change: p.Ser167Leu; replaces serine 167 with leucine.
Molecular consequence: missense variant.
Genome position (GRCh38, 1-based): chr18:23,561,491, G>A on the plus strand (C>T on the coding strand, the complement: NPC1 is on the minus strand). VCF-style: chr18-23561491-G-A. GRCh37 (hg19) VCF-style: chr18-21141455-G-A.
Other names: short protein forms S167L.
Identifiers: ClinVar variation 2844420 (VCV002844420.3), dbSNP rs752409181, ClinGen allele CA8913720.

ClinVar aggregate classification (germline): Likely pathogenic (1 of 4 stars; one submission).

Conditions:
Niemann-Pick disease, type C1. Also called: NIEMANN-PICK DISEASE, VARIANT TYPE C1; NEUROVISCERAL STORAGE DISEASE WITH VERTICAL SUPRANUCLEAR OPHTHALMOPLEGIA; NIEMANN-PICK DISEASE WITH CHOLESTEROL ESTERIFICATION BLOCK; NIEMANN-PICK DISEASE WITHOUT SPHINGOMYELINASE DEFICIENCY; NIEMANN-PICK DISEASE, CHRONIC NEURONOPATHIC FORM. Identifiers: Orphanet 646, MedGen C3179455, MONDO:0009757, OMIM 257220.

Allele frequency attached by ClinVar (database versions not stated): ExAC 0.00001; gnomAD 0.00001.
gnomAD v4.1: 1 of 1,614,040 alleles (0.000062%); no homozygotes.

Submission:

Labcorp Genetics (formerly Invitae), Labcorp
Classification: Likely pathogenic for Niemann-Pick disease, type C1. Last evaluated: 2023-09-25. Review status: criteria provided, single submitter. Criteria: Invitae Variant Classification Sherloc (09022015). Collection method: clinical testing. Allele origin: germline.
Comment: In summary, the currently available evidence indicates that the variant is pathogenic, but additional data are needed to prove that conclusively. Therefore, this variant has been classified as Likely Pathogenic. Advanced modeling of protein sequence and biophysical properties (such as structural, functional, and spatial information, amino acid conservation, physicochemical variation, residue mobility, and thermodynamic stability) performed at Invitae indicates that this missense variant is expected to disrupt NPC1 protein function. This missense change has been observed in individual(s) with clinical features of Niemann-Pick type C (Invitae). In at least one individual the data is consistent with being in trans (on the opposite chromosome) from a pathogenic variant. This variant is present in population databases (rs752409181, gnomAD 0.004%). This sequence change replaces serine, which is neutral and polar, with leucine, which is neutral and non-polar, at codon 167 of the NPC1 protein (p.Ser167Leu).